The following is an entry in ClinVar:

ClinVar aggregate classification (germline): Uncertain significance. Review status: criteria provided, multiple submitters, no conflicts (2 of 4 stars). 2 submissions from 2 submitters: Uncertain significance (2). Last evaluated 2022-08-09.

Conditions:
Inborn genetic diseases. Identifiers: MedGen C0950123, MeSH D030342.
Progressive myoclonic epilepsy. Also called: Familial progressive myoclonic epilepsy; Progressive myoclonus epilepsy; Myoclonic Epilepsies, Progressive; Myoclonus epilepsy. Identifiers: Orphanet 308, Orphanet 98261, MedGen C0751778, MONDO:0020074.

Allele frequency attached by ClinVar (database versions not stated): gnomAD exomes 0.00001 and 0.00005; TOPMed 0.00001; gnomAD 0.00003; ExAC 0.00006; 1000 Genomes Project 30x 0.00016; 1000 Genomes Project 0.00020.
gnomAD v4.1: 23 of 1,614,120 alleles (0.0014%); highest among the groups gnomAD compares: East Asian, 0.045%; no homozygotes.

Submissions (2):

Labcorp Genetics (formerly Invitae), Labcorp
Classification: Uncertain significance for Progressive myoclonic epilepsy. Last evaluated: 2022-08-09. Review status: criteria provided, single submitter. Criteria: Invitae Variant Classification Sherloc (09022015). Collection method: clinical testing. Allele origin: germline.
Comment: This sequence change replaces isoleucine, which is neutral and non-polar, with valine, which is neutral and non-polar, at codon 353 of the SCARB2 protein (p.Ile353Val). This variant is present in population databases (rs542349309, gnomAD 0.08%). This variant has not been reported in the literature in individuals affected with SCARB2-related conditions. ClinVar contains an entry for this variant (Variation ID: 567752). Algorithms developed to predict the effect of missense changes on protein structure and function output the following: SIFT: "Tolerated"; PolyPhen-2: "Benign"; Align-GVGD: "Class C0". The valine amino acid residue is found in multiple mammalian species, which suggests that this missense change does not adversely affect protein function. In summary, the available evidence is currently insufficient to determine the role of this variant in disease. Therefore, it has been classified as a Variant of Uncertain Significance.

Ambry Genetics
Classification: Uncertain significance for Inborn genetic diseases. Last evaluated: 2022-02-03. Review status: criteria provided, single submitter. Criteria: Ambry Variant Classification Scheme 2023. Collection method: clinical testing. Allele origin: germline.

NM_005506.4(SCARB2):c.1057A>G (p.Ile353Val)

Gene: SCARB2 (scavenger receptor class B member 2; minus strand). Cytogenetic location: 4q21.1.
Variant type: single nucleotide variant.
Coding change: c.1057A>G on transcript NM_005506.4 (MANE Select); coding-DNA position 1057, A replaced by G.
Protein change: p.Ile353Val; replaces isoleucine 353 with valine.
Molecular consequence: missense variant.
Genome position (GRCh38, 1-based): chr4:76,169,923, T>C on the plus strand (A>G on the coding strand, the complement: SCARB2 is on the minus strand). VCF-style: chr4-76169923-T-C. GRCh37 (hg19) VCF-style: chr4-77091076-T-C.
Other names: c.628A>G, p.Ile210Val (NM_001204255.2); short protein forms I353V, I210V.
Identifiers: ClinVar variation 567752 (VCV000567752.8), dbSNP rs542349309, ClinGen allele CA2970190.